The following is an entry in ClinVar:

NM_000257.4(MYH7):c.526A>G (p.Ile176Val)

Gene: MYH7 (myosin heavy chain 7; minus strand). Cytogenetic location: 14q11.2.
Variant type: single nucleotide variant.
Coding change: c.526A>G on transcript NM_000257.4 (MANE Select); coding-DNA position 526, A replaced by G.
Protein change: p.Ile176Val; replaces isoleucine 176 with valine.
Molecular consequence: missense variant.
Genome position (GRCh38, 1-based): chr14:23,432,483, T>C on the plus strand (A>G on the coding strand, the complement: MYH7 is on the minus strand). VCF-style: chr14-23432483-T-C. GRCh37 (hg19) VCF-style: chr14-23901692-T-C.
Other names: short protein forms I176V.
Identifiers: ClinVar variation 524980 (VCV000524980.1), dbSNP rs1555338749, ClinGen allele CA389052623.

ClinVar aggregate classification (germline): Uncertain significance (1 of 4 stars; one submission).

Conditions:
Hypertrophic cardiomyopathy. Also called: HYPERTROPHIC MYOCARDIOPATHY. Identifiers: Orphanet 217569, MedGen C0007194, MeSH D002312, MONDO:0005045, HP:0001639.

Submission:

Labcorp Genetics (formerly Invitae), Labcorp
Classification: Uncertain significance for Hypertrophic cardiomyopathy. Last evaluated: 2017-10-27. Review status: criteria provided, single submitter. Criteria: Invitae Variant Classification Sherloc (09022015). Collection method: clinical testing. Allele origin: germline.
Comment: This sequence change replaces isoleucine with valine at codon 176 of the MYH7 protein (p.Ile176Val). The isoleucine residue is highly conserved and there is a small physicochemical difference between isoleucine and valine. This variant is not present in population databases (ExAC no frequency). This variant has not been reported in the literature in individuals with MYH7-related disease. Algorithms developed to predict the effect of missense changes on protein structure and function do not agree on the potential impact of this missense change (SIFT: "Deleterious"; PolyPhen-2: "Possibly Damaging"; Align-GVGD: "Class C0"). In summary, the available evidence is currently insufficient to determine the role of this variant in disease. Therefore, it has been classified as a Variant of Uncertain Significance.